The following is an entry in ClinVar:

ClinVar aggregate classification (germline): Likely pathogenic (1 of 4 stars; one submission).

Conditions:
Combined immunodeficiency due to ZAP70 deficiency (IMD48). Also called: Immunodeficiency 48; ZAP70 Deficiency. Identifiers: Orphanet 911, MedGen C2931299, MONDO:0010023, OMIM 269840.

Submission:

Labcorp Genetics (formerly Invitae), Labcorp
Classification: Likely pathogenic for Combined immunodeficiency due to ZAP70 deficiency. Last evaluated: 2025-07-29. Review status: criteria provided, single submitter. Criteria: Invitae Variant Classification Sherloc (09022015). Collection method: clinical testing. Allele origin: germline.
Comment: This sequence change affects a donor splice site in intron 3 of the ZAP70 gene. It is expected to disrupt RNA splicing. Variants that disrupt the donor or acceptor splice site typically lead to a loss of protein function (PMID: 16199547), and loss-of-function variants in ZAP70 are known to be pathogenic (PMID: 8202712). This variant is not present in population databases (gnomAD no frequency). This variant has not been reported in the literature in individuals affected with ZAP70-related conditions. Algorithms developed to predict the effect of sequence changes on RNA splicing suggest that this variant may disrupt the consensus splice site. In summary, the currently available evidence indicates that the variant is pathogenic, but additional data are needed to prove that conclusively. Therefore, this variant has been classified as Likely Pathogenic.

Literature cited by the submitters: PubMed 16199547; PubMed 8202712.

NM_001079.4(ZAP70):c.402+1G>A

Gene: ZAP70 (zeta chain of T cell receptor associated protein kinase 70; plus strand). Cytogenetic location: 2q11.2.
Variant type: single nucleotide variant.
Coding change: c.402+1G>A on transcript NM_001079.4 (MANE Select); the canonical splice donor site of the intron after coding-DNA position 402, G replaced by A.
Molecular consequence: splice donor variant.
Genome position (GRCh38, 1-based): chr2:97,724,439, G>A. VCF-style: chr2-97724439-G-A. GRCh37 (hg19) VCF-style: chr2-98340902-G-A.
Other names: c.402+1G>A (NM_001378594.1).
Identifiers: ClinVar variation 4723863 (VCV004723863.1).
Genomic context (GRCh38, chr2:97,724,439, plus strand): 5'-TTCGACTGCCTGCGAGACGCCATGGTGCGTGACTACGTGCGCCAGACGTGGAAGCTGGAG[G>A]TGAGAGCGCAGCCTGGGGCGCGGGGTCTGGAGGGGCGTGGCCGAAGAGGGGCAGTCGAGG-3'